The following is an entry in ClinVar:

NM_001014437.3(CARS1):c.1431C>G (p.Phe477Leu)

Gene: CARS1 (cysteinyl-tRNA synthetase 1; minus strand). Cytogenetic location: 11p15.4.
Variant type: single nucleotide variant.
Coding change: c.1431C>G on transcript NM_001014437.3 (MANE Select); coding-DNA position 1431, C replaced by G.
Protein change: p.Phe477Leu; replaces phenylalanine 477 with leucine.
Molecular consequence: missense variant. On other transcripts: non-coding transcript variant (4).
Genome position (GRCh38, 1-based): chr11:3,018,714, G>C on the plus strand (C>G on the coding strand, the complement: CARS1 is on the minus strand). VCF-style: chr11-3018714-G-C. GRCh37 (hg19) VCF-style: chr11-3039944-G-C.
Other names: c.1431C>G, p.Phe477Leu (NM_001194997.2); c.1221C>G, p.Phe407Leu (NM_001378136.1); c.1152C>G, p.Phe384Leu (NM_001378137.1, NM_001378138.1, NM_001378139.1); c.906C>G, p.Phe302Leu (NM_001378140.1); c.1182C>G, p.Phe394Leu (NM_001751.6, NM_139273.4); short protein forms F302L, F384L, F394L, F407L, F477L.
Identifiers: ClinVar variation 1805715 (VCV001805715.1), dbSNP rs2494294718, ClinGen allele CA379153133.

ClinVar aggregate classification (germline): Uncertain significance (1 of 4 stars; one submission).

Conditions:
Microcephaly, developmental delay, and brittle hair syndrome. Identifiers: MedGen C5394425, MONDO:0030047, OMIM 618891.

gnomAD v4.1: 11 of 1,614,164 alleles (0.00068%); highest among the groups gnomAD compares: Non-Finnish European, 0.00093%; no homozygotes.

Submission:

Victorian Clinical Genetics Services, Murdoch Childrens Research Institute
Classification: Uncertain significance for Microcephaly, developmental delay, and brittle hair syndrome. Last evaluated: 2020-07-02. Review status: criteria provided, single submitter. Criteria: ACMG Guidelines, 2015. Collection method: clinical testing. Allele origin: germline. Inheritance: Autosomal recessive inheritance. Affected: yes.
Comment: Based on the classification scheme VCGS_Germline_v1.1.1, this variant is classified as VUS - 3B. Following criteria are met: 0102 - Loss-of-function is a known mechanism of disease for this gene. (N) 0106 - This gene is known to be associated with autosomal recessive disease. (N) 0200 - Variant is predicted to result in a missense amino acid change from phenylalanine to leucine (exon 12). (N) 0251 - Variant is heterozygous. (N) 0301 - Variant is absent from gnomAD. (P) 0309 - An alternative amino acid change at the same position has been observed in gnomAD (1 heterozygote, 0 homozygotes). (N) 0502 - Missense variant with conflicting in silico predictions and/or uninformative conservation. (N) 0600 - Variant is located in an annotated domain or motif (catalytic domain; PMID: 30824121). (N) 0705 - No comparable variants have previous evidence for pathogenicity. (N) 0807 - Variant has not previously been reported in a clinical context. (N) 0905 - No segregation evidence has been identified for this variant. (N) 1007 - No published functional evidence has been identified for this variant. (N) 1208 - Inheritance information for this variant is not currently available. (N) Legend: (P) - Pathogenic, (N) - Neutral, (B) - Benign

Literature cited by the submitters: PubMed 30824121.